The following is an entry in ClinVar:

NM_001927.4(DES):c.793A>G (p.Met265Val)

Gene: DES (desmin; plus strand). Cytogenetic location: 2q35.
Variant type: single nucleotide variant.
Coding change: c.793A>G on transcript NM_001927.4 (MANE Select); coding-DNA position 793, A replaced by G.
Protein change: p.Met265Val; replaces methionine 265 with valine.
Molecular consequence: missense variant. On other transcripts: intron variant (1).
Genome position (GRCh38, 1-based): chr2:219,420,552, A>G. VCF-style: chr2-219420552-A-G. GRCh37 (hg19) VCF-style: chr2-220285274-A-G.
Other names: c.790A>G, p.Met264Val (NM_001382708.1); c.793A>G, p.Met265Val (NM_001382710.1, NM_001382711.1, NM_001382712.1); c.523A>G, p.Met175Val (NM_001382713.1); c.735+206A>G (NM_001382709.1); short protein forms M175V, M265V, M264V.
Identifiers: ClinVar variation 1920006 (VCV001920006.6), dbSNP rs1263537980, ClinGen allele CA350691117.

ClinVar aggregate classification (germline): Uncertain significance. Review status: criteria provided, multiple submitters, no conflicts (2 of 4 stars). 2 submissions from 2 submitters: Uncertain significance (2). Last evaluated 2024-04-23.

Conditions:
Cardiovascular phenotype. Identifiers: MedGen CN230736.
Desmin-related myofibrillar myopathy (MFM1). Also called: Desminopathy; Desmin related myopathy (former name); Desmin storage myopathy (former name); Myofibrillar myopathy 1; MYOFIBRILLAR MYOPATHY WITH ARRHYTHMOGENIC RIGHT VENTRICULAR CARDIOMYOPATHY; DESMIN-RELATED MYOPATHY WITH ARRHYTHMOGENIC RIGHT VENTRICULAR CARDIOMYOPATHY. Identifiers: Orphanet 363543, Orphanet 98909, MedGen C1832370, MONDO:0011076, OMIM 601419.

Allele frequency attached by ClinVar (database versions not stated): gnomAD exomes below 0.00001.
gnomAD v4.1: 2 of 1,613,950 alleles (0.00012%); highest among the groups gnomAD compares: Non-Finnish European, 0.00017%; no homozygotes.

Submissions (2):

Ambry Genetics
Classification: Uncertain significance for Cardiovascular phenotype. Last evaluated: 2024-04-23. Review status: criteria provided, single submitter. Criteria: Ambry Variant Classification Scheme 2023. Collection method: clinical testing. Allele origin: germline.
Comment: The p.M265V variant (also known as c.793A>G), located in coding exon 4 of the DES gene, results from an A to G substitution at nucleotide position 793. The methionine at codon 265 is replaced by valine, an amino acid with highly similar properties. This amino acid position is conserved. In addition, the in silico prediction for this alteration is inconclusive. Based on the available evidence, the clinical significance of this variant remains unclear.

Labcorp Genetics (formerly Invitae), Labcorp
Classification: Uncertain significance for Desmin-related myofibrillar myopathy. Last evaluated: 2022-09-27. Review status: criteria provided, single submitter. Criteria: Invitae Variant Classification Sherloc (09022015). Collection method: clinical testing. Allele origin: germline.
Comment: In summary, the available evidence is currently insufficient to determine the role of this variant in disease. Therefore, it has been classified as a Variant of Uncertain Significance. Advanced modeling of protein sequence and biophysical properties (such as structural, functional, and spatial information, amino acid conservation, physicochemical variation, residue mobility, and thermodynamic stability) performed at Invitae indicates that this missense variant is not expected to disrupt DES protein function. This variant has not been reported in the literature in individuals affected with DES-related conditions. This variant is not present in population databases (gnomAD no frequency). This sequence change replaces methionine, which is neutral and non-polar, with valine, which is neutral and non-polar, at codon 265 of the DES protein (p.Met265Val).